The following is an entry in ClinVar:

ClinVar aggregate classification (germline): Uncertain significance (1 of 4 stars; one submission).

Allele frequency attached by ClinVar (database versions not stated): gnomAD exomes 0.00004 and 0.00011; ExAC 0.00014; 1000 Genomes Project 30x 0.00016; 1000 Genomes Project 0.00020; ESP Exome Variant Server 0.00038; gnomAD 0.00042 and 0.00045; TOPMed 0.00055.
gnomAD v4.1: 124 of 1,613,788 alleles (0.0077%); highest among the groups gnomAD compares: African/African-American, 0.15%; no homozygotes.

Submission:

Labcorp Genetics (formerly Invitae), Labcorp
Classification: Uncertain significance. Last evaluated: 2021-10-21. Review status: criteria provided, single submitter. Criteria: Invitae Variant Classification Sherloc (09022015). Collection method: clinical testing. Allele origin: germline.
Comment: In summary, the available evidence is currently insufficient to determine the role of this variant in disease. Therefore, it has been classified as a Variant of Uncertain Significance. This sequence change replaces serine, which is neutral and polar, with proline, which is neutral and non-polar, at codon 911 of the KIF14 protein (p.Ser911Pro). This variant is present in population databases (rs200732301, gnomAD 0.2%). This variant has not been reported in the literature in individuals affected with KIF14-related conditions. Algorithms developed to predict the effect of missense changes on protein structure and function output the following: SIFT: "Deleterious"; PolyPhen-2: "Benign"; Align-GVGD: "Class C0". The proline amino acid residue is found in multiple mammalian species, which suggests that this missense change does not adversely affect protein function.

NM_014875.3(KIF14):c.2731T>C (p.Ser911Pro)

Gene: KIF14 (kinesin family member 14; minus strand). Cytogenetic location: 1q32.1.
Variant type: single nucleotide variant.
Coding change: c.2731T>C on transcript NM_014875.3 (MANE Select); coding-DNA position 2731, T replaced by C.
Protein change: p.Ser911Pro; replaces serine 911 with proline.
Molecular consequence: missense variant.
Genome position (GRCh38, 1-based): chr1:200,592,162, A>G on the plus strand (T>C on the coding strand, the complement: KIF14 is on the minus strand). VCF-style: chr1-200592162-A-G. GRCh37 (hg19) VCF-style: chr1-200561290-A-G.
Other names: c.1258T>C, p.Ser420Pro (NM_001305792.1); short protein forms S420P, S911P.
Identifiers: ClinVar variation 1480492 (VCV001480492.5), dbSNP rs200732301, ClinGen allele CA1317444.